The following is an entry in ClinVar:

ClinVar aggregate classification (germline): Likely pathogenic (1 of 4 stars; one submission).

Conditions:
Congenital lactic acidosis, Saguenay-Lac-Saint-Jean type (MC4DN5). Also called: CYTOCHROME c OXIDASE DEFICIENCY, FRENCH CANADIAN TYPE; COX DEFICIENCY, FRENCH CANADIAN TYPE; MITOCHONDRIAL COMPLEX IV DEFICIENCY, NUCLEAR TYPE 5. Identifiers: Orphanet 70472, MedGen C1857355, MONDO:0009069, OMIM 220111.

Submission:

Natera, Inc.
Classification: Likely pathogenic for French-Canadian type Leigh syndrome. Last evaluated: 2025-11-25. Review status: criteria provided, single submitter. Criteria: Natera Variant Classification Schema (03/2026). Collection method: clinical testing. Allele origin: germline.
Comment: The c.2516_2517dup variant in LRPPRC is a frameshift variant predicted to shift the reading frame beginning at codon 840 and leads to a stop codon 28 codons downstream. This variant is expected to result in nonsense mediated decay, truncation, or a dysfunctional protein product. This variant is rare in the general population with a frequency below the threshold expected for the associated phenotype(s). Given the available evidence, this variant is classified as Likely Pathogenic.

NM_133259.4(LRPPRC):c.2516_2517dup (p.Thr840fs)

Gene: LRPPRC (leucine rich pentatricopeptide repeat containing; minus strand). Cytogenetic location: 2p21.
Variant type: Duplication.
Coding change: c.2516_2517dup on transcript NM_133259.4 (MANE Select); coding-DNA positions 2516 to 2517, 2 bases duplicated (CT; older notation c.2516_2517dupCT).
Protein change: p.Thr840fs; shifts the reading frame from threonine 840.
Molecular consequence: frameshift variant.
Genome position (GRCh38, 1-based): chr2:43,934,866-43,934,867, AG duplicated on the plus strand (CT on the coding strand, the reverse complement: LRPPRC is on the minus strand); duplicating any 2 consecutive bases within chr2:43,934,866-43,934,868 gives the same sequence; the c. name uses the placement nearest the transcript's 3' end. VCF-style (leftmost placement, unchanged base first): chr2-43934865-T-TAG. GRCh37 (hg19) VCF-style: chr2-44162004-T-TAG.
Other names: short protein forms T840fs.
Identifiers: ClinVar variation 4816486 (VCV004816486.1).
Genomic context (GRCh38, chr2:43,934,865, plus strand): 5'-CATGAATCCTTGGTAATACTTTATACTTTTCATAGCAGTCAATGGCGACCTCAAGAGCAG[T>TAG]AGATAGGTCGCCCCTTAGAAACAAAAAAATTAGCAATGAATAAAATAAATCGAATTCAGC-3'